The following is an entry in ClinVar:

NM_025138.5(PROSER1):c.275+4_275+7del

Gene: PROSER1 (proline and serine rich 1; minus strand). Cytogenetic location: 13q13.3.
Variant type: Deletion.
Coding change: c.275+4_275+7del on transcript NM_025138.5 (MANE Select); bases 4 to 7 of the intron after coding-DNA position 275, 4 bases deleted (AGTA; older notation c.275+4_275+7delAGTA).
Molecular consequence: splice donor variant.
Genome position (GRCh38, 1-based): chr13:39,029,274-39,029,277, TACT deleted on the plus strand (AGTA on the coding strand, the reverse complement: PROSER1 is on the minus strand); deleting any 4 consecutive bases within chr13:39,029,274-39,029,280 gives the same sequence; the c. name uses the placement nearest the transcript's 3' end. VCF-style (leftmost placement, unchanged base first): chr13-39029273-ATACT-A. GRCh37 (hg19) VCF-style: chr13-39603410-ATACT-A.
Other names: c.209+4_209+7del (NM_170719.4).
Identifiers: ClinVar variation 4292302 (VCV004292302.1).

ClinVar aggregate classification (germline): Uncertain significance (1 of 4 stars; one submission).

Conditions:
PROSER1-related Neurodevelopmental disorders.

Submission:

3billion
Classification: Uncertain significance for PROSER1-related Neurodevelopmental disorders. Last evaluated: 2024-09-13. Review status: criteria provided, single submitter. Criteria: ACMG Guidelines, 2015. Collection method: clinical testing. Allele origin: germline. Affected: yes.
Comment: The variant is observed at an extremely low frequency in the gnomAD v4.0.0 dataset (total allele frequency: <0.001%). Predicted Consequence/Location: Intron variant In silico tools predict the variant to alter splicing and produce an abnormal transcript [SpliceAI: 0.98 (>=0.2, moderate evidence for spliceogenicity)]. Therefore, this variant is classified as VUS according to the recommendation of ACMG/AMP guideline.